The following is an entry in ClinVar:

ClinVar aggregate classification (germline): Likely benign. Review status: criteria provided, multiple submitters, no conflicts (2 of 4 stars). 2 submissions from 2 submitters: Likely benign (2). Last evaluated 2025-07-16.

Conditions:
MYH9-related disorder. Identifiers: MedGen C1854520.

Allele frequency attached by ClinVar (database versions not stated): gnomAD 0.00001.
gnomAD v4.1: 12 of 1,612,858 alleles (0.00074%); highest among the groups gnomAD compares: South Asian, 0.0022%; no homozygotes.

Submissions (2):

PreventionGenetics, part of Exact Sciences
Classification: Likely benign for MYH9-related condition. Last evaluated: 2025-07-16. Review status: criteria provided, single submitter. Criteria: ACMG Guidelines, 2015. Collection method: clinical testing. Allele origin: germline.
Comment: This variant is classified as likely benign based on ACMG/AMP sequence variant interpretation guidelines (Richards et al. 2015 PMID: 25741868, with internal and published modifications).

Labcorp Genetics (formerly Invitae), Labcorp
Classification: Likely benign. Last evaluated: 2023-08-10. Review status: criteria provided, single submitter. Criteria: Invitae Variant Classification Sherloc (09022015). Collection method: clinical testing. Allele origin: germline.

NM_002473.6(MYH9):c.4407G>A (p.Ala1469=)

Gene: MYH9 (myosin heavy chain 9; minus strand). Cytogenetic location: 22q12.3.
Variant type: single nucleotide variant.
Coding change: c.4407G>A on transcript NM_002473.6 (MANE Select); coding-DNA position 4407, G replaced by A.
Protein change: p.Ala1469=; no amino-acid change (alanine 1469 retained).
Molecular consequence: synonymous variant.
Genome position (GRCh38, 1-based): chr22:36,289,235, C>T on the plus strand (G>A on the coding strand, the complement: MYH9 is on the minus strand). VCF-style: chr22-36289235-C-T. GRCh37 (hg19) VCF-style: chr22-36685281-C-T.
Identifiers: ClinVar variation 2155186 (VCV002155186.5), dbSNP rs56258227, ClinGen allele CA323588786.
Genomic context (GRCh38, chr22:36,289,235, plus strand): 5'-CATGGCTTCCTCCAGGGCCCGGGCCAGCGACAGAGCCTTGGTCTCCTTCTCTCGGGCCTC[C>T]GCCTCAGCCCGGTCGCGCTCCTCTGCATACTTGGCAGAGATGGTCTTCTCCTCCGCCAGG-3'
Protein context (NP_002464.1, residues 1459-1479): KYAEERDRAE[Ala1469=]EAREKETKAL